The following is an entry in ClinVar:

NM_005419.4(STAT2):c.2114A>G (p.Glu705Gly)

Gene: STAT2 (signal transducer and activator of transcription 2; minus strand). Cytogenetic location: 12q13.3.
Variant type: single nucleotide variant.
Coding change: c.2114A>G on transcript NM_005419.4 (MANE Select); coding-DNA position 2114, A replaced by G.
Protein change: p.Glu705Gly; replaces glutamic acid 705 with glycine.
Molecular consequence: missense variant.
Genome position (GRCh38, 1-based): chr12:56,344,124, T>C on the plus strand (A>G on the coding strand, the complement: STAT2 is on the minus strand). VCF-style: chr12-56344124-T-C. GRCh37 (hg19) VCF-style: chr12-56737908-T-C.
Other names: c.2081A>G, p.Glu694Gly (NM_001385110.1); c.2015A>G, p.Glu672Gly (NM_001385111.1); c.2114A>G, p.Glu705Gly (NM_001385113.1); c.2093A>G, p.Glu698Gly (NM_001385114.1); c.2072A>G, p.Glu691Gly (NM_001385115.1); c.2102A>G, p.Glu701Gly (NM_198332.2); short protein forms E691G, E701G, E705G, E694G, E698G, E672G.
Identifiers: ClinVar variation 2796194 (VCV002796194.3), dbSNP rs1876994012, ClinGen allele CA385259313.

ClinVar aggregate classification (germline): Uncertain significance (1 of 4 stars; one submission).

Conditions:
Primary immunodeficiency with post-measles-mumps-rubella vaccine viral infection. Also called: Immunodeficiency 44. Identifiers: Orphanet 431166, MedGen C4225260, MONDO:0014715, OMIM 616636.

Allele frequency attached by ClinVar (database versions not stated): gnomAD exomes below 0.00001.
gnomAD v4.1: 1 of 1,555,278 alleles (0.000064%); highest among the groups gnomAD compares: Non-Finnish European, 0.000087%; no homozygotes.

Submission:

Labcorp Genetics (formerly Invitae), Labcorp
Classification: Uncertain significance for Primary immunodeficiency with post-measles-mumps-rubella vaccine viral infection. Last evaluated: 2023-08-04. Review status: criteria provided, single submitter. Criteria: Invitae Variant Classification Sherloc (09022015). Collection method: clinical testing. Allele origin: germline.
Comment: In summary, the available evidence is currently insufficient to determine the role of this variant in disease. Therefore, it has been classified as a Variant of Uncertain Significance. Advanced modeling of protein sequence and biophysical properties (such as structural, functional, and spatial information, amino acid conservation, physicochemical variation, residue mobility, and thermodynamic stability) performed at Invitae indicates that this missense variant is not expected to disrupt STAT2 protein function. This variant has not been reported in the literature in individuals affected with STAT2-related conditions. This variant is not present in population databases (gnomAD no frequency). This sequence change replaces glutamic acid, which is acidic and polar, with glycine, which is neutral and non-polar, at codon 705 of the STAT2 protein (p.Glu705Gly).